The following is an entry in ClinVar:

NM_004963.4(GUCY2C):c.1282+1G>A

Genes: GUCY2C (guanylate cyclase 2C; minus strand), GUCY2C-AS1 (GUCY2C antisense RNA 1; plus strand). Cytogenetic location: 12p12.3.
Variant type: single nucleotide variant.
Coding change: c.1282+1G>A on transcript NM_004963.4 (MANE Select); the canonical splice donor site of the intron after coding-DNA position 1282, G replaced by A.
Molecular consequence: splice donor variant.
Genome position (GRCh38, 1-based): chr12:14,669,721, C>T on the plus strand (G>A on the coding strand, the complement: GUCY2C is on the minus strand). VCF-style: chr12-14669721-C-T. GRCh37 (hg19) VCF-style: chr12-14822655-C-T.
Identifiers: ClinVar variation 2903080 (VCV002903080.3), dbSNP rs753207518, ClinGen allele CA6463483.

ClinVar aggregate classification (germline): Uncertain significance (1 of 4 stars; one submission).

Allele frequency attached by ClinVar (database versions not stated): ExAC 0.00001.
gnomAD v4.1: 17 of 1,468,952 alleles (0.0012%); highest among the groups gnomAD compares: Non-Finnish European, 0.0016%; no homozygotes.

Submission:

Labcorp Genetics (formerly Invitae), Labcorp
Classification: Uncertain significance. Last evaluated: 2024-05-06. Review status: criteria provided, single submitter. Criteria: Invitae Variant Classification Sherloc (09022015). Collection method: clinical testing. Allele origin: germline.
Comment: This sequence change affects a donor splice site in intron 10 of the GUCY2C gene. It is expected to disrupt RNA splicing. Variants that disrupt the donor or acceptor splice site typically lead to a loss of protein function (PMID: 16199547), however the current clinical and genetic evidence is not sufficient to establish whether loss-of-function variants in GUCY2C cause disease. This variant is present in population databases (rs753207518, gnomAD 0.002%). This variant has not been reported in the literature in individuals affected with GUCY2C-related conditions. Algorithms developed to predict the effect of sequence changes on RNA splicing suggest that this variant may disrupt the consensus splice site. In summary, the available evidence is currently insufficient to determine the role of this variant in disease. Therefore, it has been classified as a Variant of Uncertain Significance.

Literature cited by the submitters: PubMed 16199547.